The following is an entry in ClinVar:

NM_004385.5(VCAN):c.6368A>G (p.Glu2123Gly)

Genes: VCAN (versican; plus strand), VCAN-AS1 (VCAN antisense RNA 1; minus strand). Cytogenetic location: 5q14.3.
Variant type: single nucleotide variant.
Coding change: c.6368A>G on transcript NM_004385.5 (MANE Select); coding-DNA position 6368, A replaced by G.
Protein change: p.Glu2123Gly; replaces glutamic acid 2123 with glycine.
Molecular consequence: missense variant. On other transcripts: intron variant (2).
Genome position (GRCh38, 1-based): chr5:83,539,371, A>G. VCF-style: chr5-83539371-A-G. GRCh37 (hg19) VCF-style: chr5-82835190-A-G.
Other names: c.3407A>G, p.Glu1136Gly (NM_001164097.2); c.4004-6166A>G (NM_001164098.2); c.1043-6166A>G (NM_001126336.3); short protein forms E2123G, E1136G.
Identifiers: ClinVar variation 1462537 (VCV001462537.8), dbSNP rs757068736, ClinGen allele CA360312403.
Genomic context (GRCh38, chr5:83,539,371, plus strand): 5'-TCAACCCTGTAAGACAAGAAATTGAAAGTGAAACAACATCAGAGGAACAAATTCAAGAAG[A>G]AAAGTCATTTGAATCCCCTCAAAACTCTCCTGCAACAGAACAAACAATCTTTGATTCACA-3'
Protein context (NP_004376.2, residues 2113-2133): ETTSEEQIQE[Glu2123Gly]KSFESPQNSP

ClinVar aggregate classification (germline): Uncertain significance (1 of 4 stars; one submission).

Submission:

Labcorp Genetics (formerly Invitae), Labcorp
Classification: Uncertain significance. Last evaluated: 2022-11-08. Review status: criteria provided, single submitter. Criteria: Invitae Variant Classification Sherloc (09022015). Collection method: clinical testing. Allele origin: germline.
Comment: This variant is not present in population databases (gnomAD no frequency). In summary, the available evidence is currently insufficient to determine the role of this variant in disease. Therefore, it has been classified as a Variant of Uncertain Significance. Algorithms developed to predict the effect of missense changes on protein structure and function are either unavailable or do not agree on the potential impact of this missense change (SIFT: "Deleterious"; PolyPhen-2: "Benign"; Align-GVGD: "Class C0"). ClinVar contains an entry for this variant (Variation ID: 1462537). This variant has not been reported in the literature in individuals affected with VCAN-related conditions. This sequence change replaces glutamic acid, which is acidic and polar, with glycine, which is neutral and non-polar, at codon 2123 of the VCAN protein (p.Glu2123Gly).